The following is an entry in ClinVar:

ClinVar aggregate classification (germline): Uncertain significance (1 of 4 stars; one submission).

Conditions:
Agammaglobulinemia 4, autosomal recessive (AGM4). Also called: B cell linker protein deficiency; AGAMMAGLOBULINEMIA, AUTOSOMAL RECESSIVE, DUE TO BLNK DEFECT. Identifiers: MedGen C3150752, MONDO:0013289, OMIM 613502.

gnomAD v4.1: 53 of 1,613,976 alleles (0.0033%); highest among the groups gnomAD compares: African/African-American, 0.004%; no homozygotes.

Submission:

Labcorp Genetics (formerly Invitae), Labcorp
Classification: Uncertain significance for Agammaglobulinemia 4, autosomal recessive. Last evaluated: 2024-12-17. Review status: criteria provided, single submitter. Criteria: Invitae Variant Classification Sherloc (09022015). Collection method: clinical testing. Allele origin: germline.
Comment: This sequence change replaces asparagine, which is neutral and polar, with histidine, which is basic and polar, at codon 74 of the BLNK protein (p.Asn74His). This variant is present in population databases (no rsID available, gnomAD 0.02%). This variant has not been reported in the literature in individuals affected with BLNK-related conditions. An algorithm developed to predict the effect of missense changes on protein structure and function outputs the following: PolyPhen-2: "Benign". The histidine amino acid residue is found in multiple mammalian species, which suggests that this missense change does not adversely affect protein function. In summary, the available evidence is currently insufficient to determine the role of this variant in disease. Therefore, it has been classified as a Variant of Uncertain Significance.

NM_013314.4(BLNK):c.220A>C (p.Asn74His)

Gene: BLNK (B cell linker; minus strand). Cytogenetic location: 10q24.1.
Variant type: single nucleotide variant.
Coding change: c.220A>C on transcript NM_013314.4 (MANE Select); coding-DNA position 220, A replaced by C.
Protein change: p.Asn74His; replaces asparagine 74 with histidine.
Molecular consequence: missense variant. On other transcripts: non-coding transcript variant (4).
Genome position (GRCh38, 1-based): chr10:96,227,551, T>G on the plus strand (A>C on the coding strand, the complement: BLNK is on the minus strand). VCF-style: chr10-96227551-T-G. GRCh37 (hg19) VCF-style: chr10-97987307-T-G.
Other names: c.220A>C, p.Asn74His (NM_001114094.2, NM_001258440.2, NM_001258441.2 and 1 more transcripts); short protein forms N74H.
Identifiers: ClinVar variation 3670120 (VCV003670120.2).